The following is an entry in ClinVar:

ClinVar aggregate classification (germline): Uncertain significance. Review status: criteria provided, multiple submitters, no conflicts (2 of 4 stars). 3 submissions from 3 submitters: Uncertain significance (3). Last evaluated 2025-10-23.

Conditions:
Ataxia-telangiectasia-like disorder (ATLD). Identifiers: MedGen C1858391, MONDO:0011457.
Hereditary cancer-predisposing syndrome. Also called: Neoplastic Syndromes, Hereditary; Tumor predisposition; Hereditary Cancer Syndrome; Hereditary neoplastic syndrome. Identifiers: Orphanet 140162, MedGen C0027672, MeSH D009386, MONDO:0015356.
Ataxia-telangiectasia-like disorder 1 (ATLD1). Identifiers: Orphanet 251347, MedGen C4012790, MONDO:0024557, OMIM 604391.

Allele frequency attached by ClinVar (database versions not stated): gnomAD exomes below 0.00001 and 0.00001; ExAC 0.00001.
gnomAD v4.1: 12 of 1,613,832 alleles (0.00074%); highest among the groups gnomAD compares: Non-Finnish European, 0.001%; no homozygotes.

Submissions (3):

Ambry Genetics
Classification: Uncertain significance for Hereditary cancer-predisposing syndrome. Last evaluated: 2025-10-23. Review status: criteria provided, single submitter. Criteria: Ambry Variant Classification Scheme 2023. Collection method: clinical testing. Allele origin: germline.
Comment: The p.R80I variant (also known as c.239G>T), located in coding exon 3 of the MRE11A gene, results from a G to T substitution at nucleotide position 239. The arginine at codon 80 is replaced by isoleucine, an amino acid with similar properties. This amino acid position is highly conserved in available vertebrate species. In addition, this alteration is predicted to be deleterious by in silico analysis. Since supporting evidence is limited at this time, the clinical significance of this alteration remains unclear.

Baylor Genetics
Classification: Uncertain significance for Ataxia-telangiectasia-like disorder 1. Last evaluated: 2023-11-02. Review status: criteria provided, single submitter. Criteria: ACMG Guidelines, 2015. Collection method: clinical testing. Allele origin: unknown.

Labcorp Genetics (formerly Invitae), Labcorp
Classification: Uncertain significance for Ataxia-telangiectasia-like disorder. Last evaluated: 2021-08-24. Review status: criteria provided, single submitter. Criteria: Invitae Variant Classification Sherloc (09022015). Collection method: clinical testing. Allele origin: germline.
Comment: This sequence change replaces arginine with isoleucine at codon 80 of the MRE11 protein (p.Arg80Ile). The arginine residue is highly conserved and there is a moderate physicochemical difference between arginine and isoleucine. This variant is present in population databases (rs587782472, ExAC 0.002%). This variant has not been reported in the literature in individuals affected with MRE11-related conditions. Algorithms developed to predict the effect of missense changes on protein structure and function (SIFT, PolyPhen-2, Align-GVGD) all suggest that this variant is likely to be disruptive. In summary, the available evidence is currently insufficient to determine the role of this variant in disease. Therefore, it has been classified as a Variant of Uncertain Significance.

NM_005591.4(MRE11):c.239G>T (p.Arg80Ile)

Gene: MRE11 (MRE11 double strand break repair nuclease; minus strand). Cytogenetic location: 11q21.
Variant type: single nucleotide variant.
Coding change: c.239G>T on transcript NM_005591.4 (MANE Select); coding-DNA position 239, G replaced by T.
Protein change: p.Arg80Ile; replaces arginine 80 with isoleucine.
Molecular consequence: missense variant.
Genome position (GRCh38, 1-based): chr11:94,485,999, C>A on the plus strand (G>T on the coding strand, the complement: MRE11 is on the minus strand). VCF-style: chr11-94485999-C-A. GRCh37 (hg19) VCF-style: chr11-94219165-C-A.
Other names: c.239G>T, p.Arg80Ile (NM_001330347.2, NM_005590.4); short protein forms R80I.
Identifiers: ClinVar variation 142449 (VCV000142449.14), dbSNP rs587782472, ClinGen allele CA333263.